The following is an entry in ClinVar:

ClinVar aggregate classification (germline): Conflicting classifications of pathogenicity. Review status: criteria provided, conflicting classifications (1 of 4 stars). 7 submissions from 7 submitters: Likely pathogenic (2); Uncertain significance (4). 1 of the submissions does not count toward it. Last evaluated 2026-08-27.

Conditions:
Deficiency of butyryl-CoA dehydrogenase (ACADSD). Also called: ACADS DEFICIENCY; Short-Chain Acyl-CoA Dehydrogenase Deficiency; SCAD Deficiency; SCADH DEFICIENCY; SCAD DEFICIENCY, MILD; ACYL-CoA DEHYDROGENASE, SHORT-CHAIN, DEFICIENCY OF. Identifiers: Orphanet 26792, MedGen C0342783, MONDO:0008722, OMIM 201470. Disease mechanism: May be benign.

Allele frequency attached by ClinVar (database versions not stated): gnomAD 0.00003 and 0.00004; TOPMed 0.00004; ExAC 0.00005; gnomAD exomes 0.00006; 1000 Genomes Project 30x 0.00016; 1000 Genomes Project 0.00020.
gnomAD v4.1: 95 of 1,612,986 alleles (0.0059%); highest among the groups gnomAD compares: South Asian, 0.014%; no homozygotes.

Submissions (7):

GeneDx
Classification: Uncertain significance. Last evaluated: 2026-08-27. Review status: criteria provided, single submitter. Criteria: GeneDx Variant Classification Process June 2021. Collection method: clinical testing. Allele origin: germline.
Comment: Reported in the published literature in several probands with newborn screen findings consistent with an ACADS-related disorder (PMID: 32447334, 39449356, 41892026); In silico analysis supports that this missense variant has a deleterious effect on protein structure/function; This variant is associated with the following publications: (PMID: 18836889, 33391346, 16906473, 32447334, 32793418, 39449356, 41892026)

Greenwood Genetic Center Diagnostic Laboratories, Greenwood Genetic Center
Classification: Likely pathogenic for Deficiency of butyryl-CoA dehydrogenase. Last evaluated: 2026-04-09. Review status: criteria provided, single submitter. Criteria: ACMG Guidelines, 2015. Collection method: clinical testing. Allele origin: germline. Affected: yes.
Comment: PS3_Moderate, PM1, PM2, PM3, PP3

Labcorp Genetics (formerly Invitae), Labcorp
Classification: Likely pathogenic for Deficiency of butyryl-CoA dehydrogenase. Last evaluated: 2025-08-18. Review status: criteria provided, single submitter. Criteria: Invitae Variant Classification Sherloc (09022015). Collection method: clinical testing. Allele origin: germline.
Comment: This sequence change replaces arginine, which is basic and polar, with cysteine, which is neutral and slightly polar, at codon 386 of the ACADS protein (p.Arg386Cys). This variant is present in population databases (rs537072819, gnomAD 0.02%). This missense change has been observed in individuals with short-chain acyl-coenzyme A dehydrogenase deficiency (PMID: 16906473; internal data). This variant is also known as Arg362Cys. ClinVar contains an entry for this variant (Variation ID: 203566). Invitae Evidence Modeling of protein sequence and biophysical properties (such as structural, functional, and spatial information, amino acid conservation, physicochemical variation, residue mobility, and thermodynamic stability) has been performed for this missense variant. However, the output from this modeling did not meet the statistical confidence thresholds required to predict the impact of this variant on ACADS protein function. In summary, the currently available evidence indicates that the variant is pathogenic, but additional data are needed to prove that conclusively. Therefore, this variant has been classified as Likely Pathogenic.

Women's Health and Genetics/Laboratory Corporation of America, LabCorp
Classification: Uncertain significance. Last evaluated: 2023-06-06. Review status: criteria provided, single submitter. Criteria: LabCorp Variant Classification Summary - May 2015. Collection method: clinical testing. Allele origin: germline.
Comment: Variant summary: ACADS c.1156C>T (p.Arg386Cys) results in a non-conservative amino acid change located in the C-terminal domain (IPR009075) of the encoded protein sequence. Five of five in-silico tools predict a damaging effect of the variant on protein function. The variant allele was found at a frequency of 5.6e-05 in 248252 control chromosomes (gnomAD, v2.1). The available data on variant occurrences in the general population are insufficient to allow any conclusion about variant significance. c.1156C>T has been reported in the literature as a biallelic compound heterozygous genotype in several individuals affected with features of short-chain acyl-CoA dehydrogenase (SCAD) deficiency/Deficiency Of Butyryl-CoA Dehydrogenase (e.g., Geregersen_2008, Wang_2020, Maguolo_2020, Jiang_2020). In some individuals, it was reported in trans with the commonly reported ACADS susceptibility allele c.625G>A (p.Gly209Ser), which is classified as benign/likely benign in the ClinVar database (Merinero_2006). These data indicate that the variant may be associated with disease. To our knowledge, no experimental evidence demonstrating an impact on protein function has been reported. The following publications have been ascertained in the context of this evaluation (PMID: 18836889, 33391346, 32793418, 16906473, 32447334). Five ClinVar submitters (evaluation after 2014) have reported the variant with conflicting assessments: four submitters classified the variant as uncertain significance, and one submitter classified it as likely pathogenic. Based on the evidence outlined above, the variant was classified as VUS-possibly pathogenic.

Revvity Omics, Revvity
Classification: Uncertain significance for Deficiency of butyryl-CoA dehydrogenase. Last evaluated: 2022-03-07. Review status: criteria provided, single submitter. Criteria: ACMG Guidelines, 2015. Collection method: clinical testing. Allele origin: germline.

Genome-Nilou Lab
Classification: Uncertain significance for Deficiency of butyryl-CoA dehydrogenase. Last evaluated: 2021-11-07. Review status: criteria provided, single submitter. Criteria: ACMG Guidelines, 2015. Collection method: clinical testing. Allele origin: germline. Affected: no.

Counsyl
Classification: Uncertain significance for Deficiency of butyryl-CoA dehydrogenase. Last evaluated: 2016-08-29. Review status: no assertion criteria provided. Collection method: clinical testing. Allele origin: unknown. Not counted in ClinVar's aggregate classification.

Literature cited by the submitters: PubMed 16906473 (cited by 3 submitters); PubMed 18836889 (cited by Women's Health and Genetics/Laboratory Corporation of America, LabCorp); PubMed 32793418 (cited by Women's Health and Genetics/Laboratory Corporation of America, LabCorp); PubMed 33391346 (cited by Women's Health and Genetics/Laboratory Corporation of America, LabCorp); PubMed 32447334 (cited by Women's Health and Genetics/Laboratory Corporation of America, LabCorp).

NM_000017.4(ACADS):c.1156C>T (p.Arg386Cys)

Gene: ACADS (acyl-CoA dehydrogenase short chain; plus strand). Cytogenetic location: 12q24.31.
Variant type: single nucleotide variant.
Coding change: c.1156C>T on transcript NM_000017.4 (MANE Select); coding-DNA position 1156, C replaced by T.
Protein change: p.Arg386Cys; replaces arginine 386 with cysteine.
Molecular consequence: missense variant.
Genome position (GRCh38, 1-based): chr12:120,739,365, C>T. VCF-style: chr12-120739365-C-T. GRCh37 (hg19) VCF-style: chr12-121177168-C-T.
Other names: p.R386C:CGC>TGC; c.1144C>T, p.Arg382Cys (NM_001302554.2); short protein forms R386C, R382C.
Identifiers: ClinVar variation 203566 (VCV000203566.20), dbSNP rs537072819, ClinGen allele CA312240.